The following is an entry in ClinVar:

NM_020461.4(TUBGCP6):c.4546C>T (p.His1516Tyr)

Gene: TUBGCP6 (tubulin gamma complex component 6; minus strand). Cytogenetic location: 22q13.33.
Variant type: single nucleotide variant.
Coding change: c.4546C>T on transcript NM_020461.4 (MANE Select); coding-DNA position 4546, C replaced by T.
Protein change: p.His1516Tyr; replaces histidine 1516 with tyrosine.
Molecular consequence: missense variant.
Genome position (GRCh38, 1-based): chr22:50,219,148, G>A on the plus strand (C>T on the coding strand, the complement: TUBGCP6 is on the minus strand). VCF-style: chr22-50219148-G-A. GRCh37 (hg19) VCF-style: chr22-50657577-G-A.
Other names: short protein forms H1516Y.
Identifiers: ClinVar variation 4681830 (VCV004681830.5).
Genomic context (GRCh38, chr22:50,219,148, plus strand): 5'-TGAGGGACTGGGCGAACTCGCCGTCCTCCATCAGCAGGAAGTGCCGCAGTGCCTCATAGT[G>A]CGCCTCCAGGTGCAGCTCCACGAAGAAGTAGTCGACAGCGGCCTTGTTCACCAAGGAGAT-3'
Protein context (NP_065194.3, residues 1506-1526): YFFVELHLEA[His1516Tyr]YEALRHFLLM

ClinVar aggregate classification (germline): Uncertain significance (1 of 4 stars; one submission).

gnomAD v4.1: 3 of 1,613,012 alleles (0.00019%); highest among the groups gnomAD compares: Non-Finnish European, 0.00025%; no homozygotes.

Submission:

CeGaT Center for Human Genetics Tuebingen
Classification: Uncertain significance. Last evaluated: 2025-12-01. Review status: criteria provided, single submitter. Criteria: CeGaT Center For Human Genetics Tuebingen Variant Classification Criteria Version 2. Collection method: clinical testing. Allele origin: germline. Affected: yes. Observed: 1 variant allele.
Comment: TUBGCP6: PM2:Supporting